The following is an entry in ClinVar:

NM_003640.5(ELP1):c.866T>C (p.Val289Ala)

Gene: ELP1 (elongator acetyltransferase complex subunit 1; minus strand). Cytogenetic location: 9q31.3.
Variant type: single nucleotide variant.
Coding change: c.866T>C on transcript NM_003640.5 (MANE Select); coding-DNA position 866, T replaced by C.
Protein change: p.Val289Ala; replaces valine 289 with alanine.
Molecular consequence: missense variant. On other transcripts: 5 prime UTR variant (1).
Genome position (GRCh38, 1-based): chr9:108,916,296, A>G on the plus strand (T>C on the coding strand, the complement: ELP1 is on the minus strand). VCF-style: chr9-108916296-A-G. GRCh37 (hg19) VCF-style: chr9-111678576-A-G.
Other names: c.524T>C, p.Val175Ala (NM_001318360.2); c.-182T>C (NM_001330749.2); short protein forms V289A, V175A.
Identifiers: ClinVar variation 936569 (VCV000936569.9), dbSNP rs890474380, ClinGen allele CA197520471.

ClinVar aggregate classification (germline): Uncertain significance. Review status: criteria provided, multiple submitters, no conflicts (2 of 4 stars). 3 submissions from 3 submitters: Uncertain significance (2). 1 of the submissions does not count toward it. Last evaluated 2022-04-15.

Conditions:
Familial dysautonomia. Also called: FD; HSAN III. Identifiers: Orphanet 1764, MedGen C0013364, MONDO:0009131, OMIM 223900. Disease mechanism: loss of function.
Medulloblastoma (MDB). Also called: Medulloblastoma, somatic; MEDULLOBLASTOMA PREDISPOSITION SYNDROME. Identifiers: Orphanet 616, MedGen C0025149, MeSH D008527, MONDO:0007959, OMIM 155255, HP:0002885.

Allele frequency attached by ClinVar (database versions not stated): gnomAD exomes below 0.00001; TOPMed 0.00001; gnomAD 0.00002.
gnomAD v4.1: 4 of 1,612,374 alleles (0.00025%); highest among the groups gnomAD compares: African/African-American, 0.004%; no homozygotes.

Submissions (3):

Fulgent Genetics
Classification: Uncertain significance for Medulloblastoma; Familial dysautonomia. Last evaluated: 2022-04-15. Review status: criteria provided, single submitter. Criteria: ACMG Guidelines, 2015. Collection method: clinical testing. Allele origin: unknown.

Labcorp Genetics (formerly Invitae), Labcorp
Classification: Uncertain significance. Last evaluated: 2021-09-01. Review status: criteria provided, single submitter. Criteria: Invitae Variant Classification Sherloc (09022015). Collection method: clinical testing. Allele origin: germline.
Comment: This sequence change replaces valine with alanine at codon 289 of the ELP1 protein (p.Val289Ala). The valine residue is highly conserved and there is a small physicochemical difference between valine and alanine. This variant is not present in population databases (ExAC no frequency). This variant has not been reported in the literature in individuals affected with ELP1-related conditions. Algorithms developed to predict the effect of missense changes on protein structure and function are either unavailable or do not agree on the potential impact of this missense change (SIFT: "Deleterious"; PolyPhen-2: "Probably Damaging"; Align-GVGD: "Class C0"). In summary, the available evidence is currently insufficient to determine the role of this variant in disease. Therefore, it has been classified as a Variant of Uncertain Significance.

Natera, Inc.
Classification: Uncertain significance for Familial dysautonomia. Last evaluated: 2020-06-29. Review status: no assertion criteria provided. Collection method: clinical testing. Allele origin: germline. Not counted in ClinVar's aggregate classification.